The following is an entry in ClinVar:

NM_000285.4(PEPD):c.538A>G (p.Ile180Val)

Gene: PEPD (peptidase D; minus strand). Cytogenetic location: 19q13.11.
Variant type: single nucleotide variant.
Coding change: c.538A>G on transcript NM_000285.4 (MANE Select); coding-DNA position 538, A replaced by G.
Protein change: p.Ile180Val; replaces isoleucine 180 with valine.
Molecular consequence: missense variant.
Genome position (GRCh38, 1-based): chr19:33,478,056, T>C on the plus strand (A>G on the coding strand, the complement: PEPD is on the minus strand). VCF-style: chr19-33478056-T-C. GRCh37 (hg19) VCF-style: chr19-33968962-T-C.
Other names: c.538A>G, p.Ile180Val (NM_001166056.2); c.346A>G, p.Ile116Val (NM_001166057.2); short protein forms I180V, I116V.
Identifiers: ClinVar variation 1921982 (VCV001921982.3), dbSNP rs765256652, ClinGen allele CA9364263.

ClinVar aggregate classification (germline): Uncertain significance (1 of 4 stars; one submission).

Allele frequency attached by ClinVar (database versions not stated): gnomAD exomes below 0.00001; ExAC 0.00002.
gnomAD v4.1: 2 of 1,611,070 alleles (0.00012%); highest among the groups gnomAD compares: Admixed American, 0.0033%; no homozygotes.

Submission:

Labcorp Genetics (formerly Invitae), Labcorp
Classification: Uncertain significance. Last evaluated: 2024-04-15. Review status: criteria provided, single submitter. Criteria: Invitae Variant Classification Sherloc (09022015). Collection method: clinical testing. Allele origin: germline.
Comment: This sequence change replaces isoleucine, which is neutral and non-polar, with valine, which is neutral and non-polar, at codon 180 of the PEPD protein (p.Ile180Val). This variant is present in population databases (rs765256652, gnomAD 0.006%). This variant has not been reported in the literature in individuals affected with PEPD-related conditions. ClinVar contains an entry for this variant (Variation ID: 1921982). Advanced modeling of protein sequence and biophysical properties (such as structural, functional, and spatial information, amino acid conservation, physicochemical variation, residue mobility, and thermodynamic stability) performed at Invitae indicates that this missense variant is not expected to disrupt PEPD protein function with a negative predictive value of 80%. In summary, the available evidence is currently insufficient to determine the role of this variant in disease. Therefore, it has been classified as a Variant of Uncertain Significance.